The following is an entry in ClinVar:

NM_001384474.1(LOXHD1):c.710A>G (p.Asn237Ser)

Gene: LOXHD1 (lipoxygenase homology PLAT domains 1; minus strand). Cytogenetic location: 18q21.1.
Variant type: single nucleotide variant.
Coding change: c.710A>G on transcript NM_001384474.1 (MANE Select); coding-DNA position 710, A replaced by G.
Protein change: p.Asn237Ser; replaces asparagine 237 with serine.
Molecular consequence: missense variant.
Genome position (GRCh38, 1-based): chr18:46,610,825, T>C on the plus strand (A>G on the coding strand, the complement: LOXHD1 is on the minus strand). VCF-style: chr18-46610825-T-C. GRCh37 (hg19) VCF-style: chr18-44190788-T-C.
Other names: c.710A>G, p.Asn237Ser (NM_144612.7); short protein forms N237S.
Identifiers: ClinVar variation 163937 (VCV000163937.12), dbSNP rs539278802, ClinGen allele CA176664.

ClinVar aggregate classification (germline): Conflicting classifications of pathogenicity. Review status: criteria provided, conflicting classifications (1 of 4 stars). 4 submissions from 4 submitters: Uncertain significance (3); Likely benign (1). Last evaluated 2025-06-17.

Conditions:
Inborn genetic diseases. Identifiers: MedGen C0950123, MeSH D030342.
Autosomal recessive nonsyndromic hearing loss 77. Identifiers: Orphanet 90636, MedGen C2746083, MONDO:0013119, OMIM 613079.

Allele frequency attached by ClinVar (database versions not stated): TOPMed 0.00001; 1000 Genomes Project 30x 0.00016; 1000 Genomes Project 0.00020.

Submissions (4):

Revvity Omics, Revvity
Classification: Uncertain significance for Autosomal recessive nonsyndromic hearing loss 77. Last evaluated: 2025-06-17. Review status: criteria provided, single submitter. Criteria: ACMG Guidelines, 2015. Collection method: clinical testing. Allele origin: germline.

Ambry Genetics
Classification: Uncertain significance for Inborn genetic diseases. Last evaluated: 2024-09-11. Review status: criteria provided, single submitter. Criteria: Ambry Variant Classification Scheme 2023. Collection method: clinical testing. Allele origin: germline.

Eurofins Ntd Llc (ga)
Classification: Uncertain significance. Last evaluated: 2017-07-25. Review status: criteria provided, single submitter. Criteria: EGL Classification Definitions 2015. Collection method: clinical testing. Allele origin: germline. Observed: 1 variant allele, 1 heterozygote.

Laboratory for Molecular Medicine, Mass General Brigham Personalized Medicine
Classification: Likely benign. Last evaluated: 2014-09-04. Review status: criteria provided, single submitter. Criteria: LMM Criteria. Collection method: clinical testing. Allele origin: germline. Observed: 1 variant allele.
Comment: Asn237Ser in exon 6 of LOXHD1: This variant is not expected to have clinical sig nificance due to a lack of conservation across species, including mammals. Of no te, several species including three mammals have a serine (Ser) at this position despite high nearby amino acid conservation. In addition, computational predict ion tools do not suggest a high likelihood of impact to the protein.